The following is an entry in ClinVar:

ClinVar aggregate classification (germline): Likely benign. Review status: criteria provided, multiple submitters, no conflicts (2 of 4 stars). 4 submissions from 4 submitters: Likely benign (4). Last evaluated 2025-04-01.

Conditions:
Melanoma, cutaneous malignant, susceptibility to, 5. Also called: Cutaneous malignant melanoma 5. Identifiers: Orphanet 618, MedGen C2751295, MONDO:0013133, OMIM 613099.

Allele frequency attached by ClinVar (database versions not stated): TOPMed 0.00002; 1000 Genomes Project 30x 0.00016; 1000 Genomes Project 0.00020.

Submissions (4):

Ambry Genetics
Classification: Likely benign. Last evaluated: 2025-04-01. Review status: criteria provided, single submitter. Criteria: Ambry Variant Classification Scheme 2023. Collection method: clinical testing. Allele origin: germline.

Labcorp Genetics (formerly Invitae), Labcorp
Classification: Likely benign for Melanoma, cutaneous malignant, susceptibility to, 5. Last evaluated: 2021-12-24. Review status: criteria provided, single submitter. Criteria: Invitae Variant Classification Sherloc (09022015). Collection method: clinical testing. Allele origin: germline.

Illumina Laboratory Services, Illumina
Classification: Likely benign for Melanoma, cutaneous malignant, susceptibility to, 5. Last evaluated: 2018-01-13. Review status: criteria provided, single submitter. Criteria: ICSL Variant Classification Criteria 13 December 2019. Collection method: clinical testing. Allele origin: germline.
Comment: This variant was observed in the ICSL laboratory as part of a predisposition screen in an ostensibly healthy population. It had not been previously curated by ICSL or reported in the Human Gene Mutation Database (HGMD: prior to June 1st, 2018), and was therefore a candidate for classification through an automated scoring system. Utilizing variant allele frequency, disease prevalence and penetrance estimates, and inheritance mode, an automated score was calculated to assess if this variant is too frequent to cause the disease. Based on the score and internal cut-off values, a variant classified as likely benign is not then subjected to further curation. The score for this variant resulted in a classification of likely benign for this disease.

Breakthrough Genomics
Classification: Likely benign. Review status: criteria provided, single submitter. Criteria: ACMG Guidelines, 2015. Collection method: not provided. Allele origin: germline. Inheritance: Autosomal recessive inheritance. Affected: yes.

NM_002386.4(MC1R):c.417C>T (p.Ala139=)

Gene: MC1R (melanocortin 1 receptor; plus strand). Cytogenetic location: 16q24.3.
Variant type: single nucleotide variant.
Coding change: c.417C>T on transcript NM_002386.4 (MANE Select); coding-DNA position 417, C replaced by T.
Protein change: p.Ala139=; no amino-acid change (alanine 139 retained).
Molecular consequence: synonymous variant.
Genome position (GRCh38, 1-based): chr16:89,919,675, C>T. VCF-style: chr16-89919675-C-T. GRCh37 (hg19) VCF-style: chr16-89986083-C-T.
Identifiers: ClinVar variation 884791 (VCV000884791.10), dbSNP rs372929572, ClinGen allele CA8255582.